The following is an entry in ClinVar:

NM_022841.7(RFX7):c.1486A>G (p.Ser496Gly)

Gene: RFX7 (regulatory factor X7; minus strand). Cytogenetic location: 15q21.3.
Variant type: single nucleotide variant.
Coding change: c.1486A>G on transcript NM_022841.7 (MANE Select); coding-DNA position 1486, A replaced by G.
Protein change: p.Ser496Gly; replaces serine 496 with glycine.
Molecular consequence: missense variant.
Genome position (GRCh38, 1-based): chr15:56,096,242, T>C on the plus strand (A>G on the coding strand, the complement: RFX7 is on the minus strand). VCF-style: chr15-56096242-T-C. GRCh37 (hg19) VCF-style: chr15-56388440-T-C.
Other names: c.1195A>G, p.Ser399Gly (NM_001368073.2, NM_001368074.1, NM_001370554.1); c.1486A>G, p.Ser496Gly (NM_001370561.1); short protein forms S399G, S496G.
Identifiers: ClinVar variation 5041460 (VCV005041460.1).

ClinVar aggregate classification (germline): Likely benign (1 of 4 stars; one submission).

gnomAD v4.1: 3 of 1,613,992 alleles (0.00019%); highest among the groups gnomAD compares: Non-Finnish European, 0.00025%; no homozygotes.

Submission:

CeGaT Center for Human Genetics Tuebingen
Classification: Likely benign. Last evaluated: 2026-09-01. Review status: criteria provided, single submitter. Criteria: CeGaT Center For Human Genetics Tuebingen Variant Classification Criteria Version 2. Collection method: clinical testing. Allele origin: germline. Affected: yes. Observed: 1 variant allele.
Comment: RFX7: BP4